The following is an entry in ClinVar:

NM_001378452.1(ITPR1):c.340G>A (p.Val114Ile)

Gene: ITPR1 (inositol 1,4,5-trisphosphate receptor type 1; plus strand). Cytogenetic location: 3p26.1.
Variant type: single nucleotide variant.
Coding change: c.340G>A on transcript NM_001378452.1 (MANE Select); coding-DNA position 340, G replaced by A.
Protein change: p.Val114Ile; replaces valine 114 with isoleucine.
Molecular consequence: missense variant.
Genome position (GRCh38, 1-based): chr3:4,639,444, G>A. VCF-style: chr3-4639444-G-A. GRCh37 (hg19) VCF-style: chr3-4681128-G-A.
Other names: c.340G>A, p.Val114Ile (NM_001099952.4, NM_001168272.2, NM_002222.7); short protein forms V114I.
Identifiers: ClinVar variation 2172868 (VCV002172868.4), dbSNP rs534789801, ClinGen allele CA2230852.
Genomic context (GRCh38, chr3:4,639,444, plus strand): 5'-CACGCTGCAGACTTGGAAAAGAAGCAGAATGAGACAGAAAACAGGAAATTGCTGGGGACC[G>A]TAATCCAGTATGGCAATGTGATCCAGGTAGGTCAAGGCAGCTCTTCCCTTCTGAAGCTGA-3'
Protein context (NP_001365381.1, residues 104-124): ETENRKLLGT[Val114Ile]IQYGNVIQLL

ClinVar aggregate classification (germline): Uncertain significance (1 of 4 stars; one submission).

Allele frequency attached by ClinVar (database versions not stated): ExAC 0.00003.
gnomAD v4.1: 61 of 1,581,184 alleles (0.0039%); highest among the groups gnomAD compares: African/African-American, 0.0067%; no homozygotes.

Submission:

Labcorp Genetics (formerly Invitae), Labcorp
Classification: Uncertain significance. Last evaluated: 2024-04-02. Review status: criteria provided, single submitter. Criteria: Invitae Variant Classification Sherloc (09022015). Collection method: clinical testing. Allele origin: germline.
Comment: This sequence change replaces valine, which is neutral and non-polar, with isoleucine, which is neutral and non-polar, at codon 114 of the ITPR1 protein (p.Val114Ile). The frequency data for this variant in the population databases is considered unreliable, as metrics indicate poor data quality at this position in the gnomAD database. This variant has not been reported in the literature in individuals affected with ITPR1-related conditions. ClinVar contains an entry for this variant (Variation ID: 2172868). Advanced modeling of protein sequence and biophysical properties (such as structural, functional, and spatial information, amino acid conservation, physicochemical variation, residue mobility, and thermodynamic stability) performed at Invitae indicates that this missense variant is not expected to disrupt ITPR1 protein function with a negative predictive value of 95%. In summary, the available evidence is currently insufficient to determine the role of this variant in disease. Therefore, it has been classified as a Variant of Uncertain Significance.